The following is an entry in ClinVar:

ClinVar aggregate classification (germline): Pathogenic/Likely pathogenic. Review status: criteria provided, multiple submitters, no conflicts (2 of 4 stars). 4 submissions from 4 submitters: Pathogenic (1); Likely pathogenic (3). Last evaluated 2026-03-11.

Conditions:
Smith-Lemli-Opitz syndrome (SLOS). Also called: 7-Dehydrocholesterol reductase deficiency; LETHAL ACRODYSGENITAL SYNDROME; POLYDACTYLY, SEX REVERSAL, RENAL HYPOPLASIA, AND UNILOBAR LUNG; RSH SYNDROME; RUTLEDGE LETHAL MULTIPLE CONGENITAL ANOMALY SYNDROME. Identifiers: Orphanet 818, MedGen C0175694, MONDO:0010035, OMIM 270400.

Allele frequency attached by ClinVar (database versions not stated): gnomAD 0.00001; gnomAD exomes 0.00002; ExAC 0.00003.
gnomAD v4.1: 14 of 1,611,286 alleles (0.00087%); highest among the groups gnomAD compares: Non-Finnish European, 0.0012%; no homozygotes.

Submissions (4):

Women's Health and Genetics/Laboratory Corporation of America, LabCorp
Classification: Likely pathogenic for Smith-Lemli-Opitz syndrome. Last evaluated: 2026-03-11. Review status: criteria provided, single submitter. Criteria: LabCorp Variant Classification Summary - May 2015. Collection method: clinical testing. Allele origin: germline.
Comment: Variant summary: DHCR7 c.1219A>T (p.Asn407Tyr) results in a non-conservative amino acid change in the encoded protein sequence. Algorithms developed to predict the effect of missense changes on protein structure and function all suggest that this variant is likely to be disruptive. The variant allele was found at a frequency of 2e-05 in 246524 control chromosomes. The available data on variant occurrences in the general population are insufficient to allow any conclusion about variant significance. c.1219A>T has been observed in individual(s) affected with Smith-Lemli-Opitz Syndrome (De Brasi_1999). To our knowledge, no experimental evidence demonstrating an impact on protein function has been reported. The following publication have been ascertained in the context of this evaluation (PMID: 10602371). ClinVar contains an entry for this variant (Variation ID: 813483). Based on the evidence outlined above, the variant was classified as likely pathogenic.

Labcorp Genetics (formerly Invitae), Labcorp
Classification: Pathogenic for Smith-Lemli-Opitz syndrome. Last evaluated: 2025-12-26. Review status: criteria provided, single submitter. Criteria: Invitae Variant Classification Sherloc (09022015). Collection method: clinical testing. Allele origin: germline.
Comment: This sequence change replaces asparagine, which is neutral and polar, with tyrosine, which is neutral and polar, at codon 407 of the DHCR7 protein (p.Asn407Tyr). This variant is present in population databases (rs770819693, gnomAD 0.004%). This missense change has been observed in individual(s) with Smith-Lemli-Opitz syndrome (PMID: 10602371). In at least one individual the data is consistent with being in trans (on the opposite chromosome) from a pathogenic variant. ClinVar contains an entry for this variant (Variation ID: 813483). Invitae Evidence Modeling of protein sequence and biophysical properties (such as structural, functional, and spatial information, amino acid conservation, physicochemical variation, residue mobility, and thermodynamic stability) indicates that this missense variant is expected to disrupt DHCR7 protein function with a positive predictive value of 95%. This variant disrupts the p.Asn407 amino acid residue in DHCR7. Other variant(s) that disrupt this residue have been observed in individuals with DHCR7-related conditions (PMID: 29455191), which suggests that this may be a clinically significant amino acid residue. For these reasons, this variant has been classified as Pathogenic.

Natera, Inc.
Classification: Likely pathogenic for Smith-Lemli-Opitz syndrome. Last evaluated: 2025-10-01. Review status: criteria provided, single submitter. Criteria: Natera Variant Classification Schema (03/2026). Collection method: clinical testing. Allele origin: germline.
Comment: The c.1219A>T variant in DHCR7 is a missense variant predicted to cause substitution of asparagine to tyrosine at amino acid 407. This variant is rare in the general population with a frequency below the threshold expected for the associated phenotype(s). This variant has been observed in one or more individuals affected with the associated recessive disease, as either homozygous or compound heterozygous with a second variant (PMID: 10602371, 12818773). Computational prediction algorithms indicate this variant is likely to affect gene or protein function. Given the available evidence, this variant is classified as Likely Pathogenic.

Fulgent Genetics
Classification: Likely pathogenic for Smith-Lemli-Opitz syndrome. Last evaluated: 2024-06-10. Review status: criteria provided, single submitter. Criteria: ACMG Guidelines, 2015. Collection method: clinical testing. Allele origin: germline.

Literature cited by the submitters: PubMed 10602371 (cited by 3 submitters); PubMed 29455191 (cited by Labcorp Genetics (formerly Invitae), Labcorp); PubMed 12818773 (cited by Natera, Inc.).

NM_001360.3(DHCR7):c.1219A>T (p.Asn407Tyr)

Gene: DHCR7 (7-dehydrocholesterol reductase; minus strand). Cytogenetic location: 11q13.4.
Variant type: single nucleotide variant.
Coding change: c.1219A>T on transcript NM_001360.3 (MANE Select); coding-DNA position 1219, A replaced by T.
Protein change: p.Asn407Tyr; replaces asparagine 407 with tyrosine.
Molecular consequence: missense variant.
Genome position (GRCh38, 1-based): chr11:71,435,584, T>A on the plus strand (A>T on the coding strand, the complement: DHCR7 is on the minus strand). VCF-style: chr11-71435584-T-A. GRCh37 (hg19) VCF-style: chr11-71146630-T-A.
Other names: c.1219A>T (NM_001360.2); c.1219A>T, p.Asn407Tyr (NM_001163817.2); short protein forms N407Y.
Identifiers: ClinVar variation 813483 (VCV000813483.16), dbSNP rs770819693, ClinGen allele CA6162285.